The following is an entry in ClinVar:

NM_000383.4(AIRE):c.747del (p.Ser249fs)

Gene: AIRE (autoimmune regulator; plus strand). Cytogenetic location: 21q22.3.
Variant type: Deletion.
Coding change: c.747del on transcript NM_000383.4 (MANE Select); coding-DNA position 747, one base deleted (C; older notation c.747delC).
Protein change: p.Ser249fs; shifts the reading frame from serine 249.
Molecular consequence: frameshift variant.
Genome position (GRCh38, 1-based): chr21:44,289,751, C deleted. VCF-style (leftmost placement, unchanged base first): chr21-44289750-GC-G. GRCh37 (hg19) VCF-style: chr21-45709633-GC-G.
Other names: short protein forms S249fs.
Identifiers: ClinVar variation 1076320 (VCV001076320.8), dbSNP rs2146379302, ClinGen allele CA2499225974.

ClinVar aggregate classification (germline): Pathogenic/Likely pathogenic. Review status: criteria provided, multiple submitters, no conflicts (2 of 4 stars). 2 submissions from 2 submitters: Pathogenic (1); Likely pathogenic (1). Last evaluated 2022-08-22.

Conditions:
AIRE-related disorder. Also called: AIRE-related condition.
Polyglandular autoimmune syndrome, type 1 (APS1). Also called: PGA I; Autoimmune polyendocrine syndrome type 1; APS I; HYPOADRENOCORTICISM WITH HYPOPARATHYROIDISM AND SUPERFICIAL MONILIASIS; Autoimmune polyendocrinopathy syndrome , type I, with or without reversible metaphyseal dysplasia; AUTOIMMUNE POLYENDOCRINE SYNDROME, TYPE I, WITH OR WITHOUT REVERSIBLE METAPHYSEAL DYSPLASIA. Identifiers: Orphanet 3453, MedGen C0085859, MONDO:0009411, OMIM 240300.

Allele frequency attached by ClinVar (database versions not stated): gnomAD exomes below 0.00001.

Submissions (2):

Blueprint Genetics
Classification: Likely pathogenic for AIRE-related disorders. Last evaluated: 2022-08-22. Review status: criteria provided, single submitter. Criteria: ACMG Guidelines, 2015. Collection method: clinical testing. Allele origin: germline. Affected: yes. Observed: 1 variant allele.

Labcorp Genetics (formerly Invitae), Labcorp
Classification: Pathogenic for Polyglandular autoimmune syndrome, type 1. Last evaluated: 2020-08-14. Review status: criteria provided, single submitter. Criteria: Invitae Variant Classification Sherloc (09022015). Collection method: clinical testing. Allele origin: germline.
Comment: For these reasons, this variant has been classified as Pathogenic. Loss-of-function variants in AIRE are known to be pathogenic (PMID: 11524731, 26141571). This variant has not been reported in the literature in individuals with AIRE-related conditions. This variant is not present in population databases (ExAC no frequency). This sequence change creates a premature translational stop signal (p.Ser249Argfs*129) in the AIRE gene. It is expected to result in an absent or disrupted protein product.

Literature cited by the submitters: PubMed 11524731 (cited by Labcorp Genetics (formerly Invitae), Labcorp); PubMed 26141571 (cited by Labcorp Genetics (formerly Invitae), Labcorp).